The following is an entry in ClinVar:

NM_018341.3(ERMARD):c.1047A>G (p.Gly349=)

Gene: ERMARD (ER membrane associated RNA degradation; plus strand). Cytogenetic location: 6q27.
Variant type: single nucleotide variant.
Coding change: c.1047A>G on transcript NM_018341.3 (MANE Select); coding-DNA position 1047, A replaced by G.
Protein change: p.Gly349=; no amino-acid change (glycine 349 retained).
Molecular consequence: synonymous variant.
Genome position (GRCh38, 1-based): chr6:169,768,159, A>G. VCF-style: chr6-169768159-A-G. GRCh37 (hg19) VCF-style: chr6-170168255-A-G.
Other names: c.1047A>G, p.Gly349= (NM_001278531.2, NM_001278533.2); c.669A>G, p.Gly223= (NM_001278532.2); c.639A>G, p.Gly213= (NM_001410957.1).
Identifiers: ClinVar variation 3772120 (VCV003772120.13).

ClinVar aggregate classification (germline): Likely benign (1 of 4 stars; one submission).

Submission:

CeGaT Center for Human Genetics Tuebingen
Classification: Likely benign. Last evaluated: 2024-12-01. Review status: criteria provided, single submitter. Criteria: CeGaT Center For Human Genetics Tuebingen Variant Classification Criteria Version 2. Collection method: clinical testing. Allele origin: germline. Affected: yes. Observed: 1 variant allele.
Comment: ERMARD: PM2:Supporting, BP4, BP7